The following is an entry in ClinVar:

ClinVar aggregate classification (germline): Likely pathogenic (1 of 4 stars; one submission).

Conditions:
Congenital contractural arachnodactyly (CCA). Also called: Arthrogryposis, distal, type 9; BEALS SYNDROME; Beals-Hecht syndrome. Identifiers: Orphanet 115, MedGen C0220668, MONDO:0007363, OMIM 121050.

Submission:

Labcorp Genetics (formerly Invitae), Labcorp
Classification: Likely pathogenic for Congenital contractural arachnodactyly. Last evaluated: 2021-12-24. Review status: criteria provided, single submitter. Criteria: Invitae Variant Classification Sherloc (09022015). Collection method: clinical testing. Allele origin: germline.
Comment: In summary, the currently available evidence indicates that the variant is pathogenic, but additional data are needed to prove that conclusively. Therefore, this variant has been classified as Likely Pathogenic. This sequence change replaces cysteine, which is neutral and slightly polar, with tyrosine, which is neutral and polar, at codon 1246 of the FBN2 protein (p.Cys1246Tyr). This variant is not present in population databases (gnomAD no frequency). This variant has not been reported in the literature in individuals affected with FBN2-related conditions. Advanced modeling of protein sequence and biophysical properties (such as structural, functional, and spatial information, amino acid conservation, physicochemical variation, residue mobility, and thermodynamic stability) performed at Invitae indicates that this missense variant is expected to disrupt FBN2 protein function. This variant affects a cysteine residue located within an epidermal growth factor (EGF)–like domain of the FBN2 protein. Cysteine residues in these domains are involved in the formation of disulfide bridges critical for protein structure and stability (PMID: 3495735, 4750422, 16677079). In addition, missense substitutions within the FBN2 EGF-like domains affecting cysteine residues are overrepresented in patients with congenital contractural arachnodactyly (PMID: 18767143).

Literature cited by the submitters: PubMed 3495735; PubMed 4750422; PubMed 16677079; PubMed 18767143.

NM_001999.4(FBN2):c.3737G>A (p.Cys1246Tyr)

Gene: FBN2 (fibrillin 2; minus strand). Cytogenetic location: 5q23.3.
Variant type: single nucleotide variant.
Coding change: c.3737G>A on transcript NM_001999.4 (MANE Select); coding-DNA position 3737, G replaced by A.
Protein change: p.Cys1246Tyr; replaces cysteine 1246 with tyrosine.
Molecular consequence: missense variant.
Genome position (GRCh38, 1-based): chr5:128,335,565, C>T on the plus strand (G>A on the coding strand, the complement: FBN2 is on the minus strand). VCF-style: chr5-128335565-C-T. GRCh37 (hg19) VCF-style: chr5-127671257-C-T.
Other names: short protein forms C1246Y.
Identifiers: ClinVar variation 1921411 (VCV001921411.5), dbSNP rs2479801974, ClinGen allele CA360758138.